The following is an entry in ClinVar:

NM_006514.4(SCN10A):c.2044A>G (p.Met682Val)

Gene: SCN10A (sodium voltage-gated channel alpha subunit 10; minus strand). Cytogenetic location: 3p22.2.
Variant type: single nucleotide variant.
Coding change: c.2044A>G on transcript NM_006514.4 (MANE Select); coding-DNA position 2044, A replaced by G.
Protein change: p.Met682Val; replaces methionine 682 with valine.
Molecular consequence: missense variant.
Genome position (GRCh38, 1-based): chr3:38,742,353, T>C on the plus strand (A>G on the coding strand, the complement: SCN10A is on the minus strand). VCF-style: chr3-38742353-T-C. GRCh37 (hg19) VCF-style: chr3-38783844-T-C.
Other names: c.2044A>G, p.Met682Val (NM_001293306.2); c.1750A>G, p.Met584Val (NM_001293307.2); short protein forms M584V, M682V.
Identifiers: ClinVar variation 1706343 (VCV001706343.2), dbSNP rs2470736045, ClinGen allele CA352165091.

ClinVar aggregate classification (germline): Uncertain significance (1 of 4 stars; one submission).

Allele frequency attached by ClinVar (database versions not stated): gnomAD exomes below 0.00001.

Submission:

GeneDx
Classification: Uncertain significance. Last evaluated: 2022-03-18. Review status: criteria provided, single submitter. Criteria: GeneDx Variant Classification Process June 2021. Collection method: clinical testing. Allele origin: germline. Affected: yes.
Comment: Not observed at significant frequency in large population cohorts (gnomAD); In silico analysis supports that this missense variant has a deleterious effect on protein structure/function; Has not been previously published as pathogenic or benign to our knowledge